The following is an entry in ClinVar:

NM_002202.3(ISL1):c.459G>A (p.Ala153=)

Gene: ISL1 (ISL LIM homeobox 1; plus strand). Cytogenetic location: 5q11.1.
Variant type: single nucleotide variant.
Coding change: c.459G>A on transcript NM_002202.3 (MANE Select); coding-DNA position 459, G replaced by A.
Protein change: p.Ala153=; no amino-acid change (alanine 153 retained).
Molecular consequence: synonymous variant.
Genome position (GRCh38, 1-based): chr5:51,387,730, G>A. VCF-style: chr5-51387730-G-A. GRCh37 (hg19) VCF-style: chr5-50683564-G-A.
Identifiers: ClinVar variation 3357244 (VCV003357244.1).

ClinVar aggregate classification (germline): Likely benign (0 of 4 stars; one submission).

Conditions:
ISL1-related disorder. Also called: ISL1-related condition.

gnomAD v4.1: 19 of 1,614,068 alleles (0.0012%); highest among the groups gnomAD compares: African/African-American, 0.016%; no homozygotes.

Submission:

PreventionGenetics, part of Exact Sciences
Classification: Likely benign for ISL1-related condition. Last evaluated: 2021-06-02. Review status: no assertion criteria provided. Collection method: clinical testing. Allele origin: germline.
Comment: This variant is classified as likely benign based on ACMG/AMP sequence variant interpretation guidelines (Richards et al. 2015 PMID: 25741868, with internal and published modifications).